The following is an entry in ClinVar:

Conditions:
Long QT syndrome 5 (LQT5). Identifiers: Orphanet 101016, Orphanet 768, MedGen C1867904, MONDO:0013372, OMIM 613695.

Submission:

Roden Lab, Vanderbilt University Medical Center
No classification provided (evidence only). Condition: Long QT syndrome 5. Review status: no classification provided. Collection method: in vitro. Allele origin: not applicable. Functional consequence: Effect on ion channel function.
ClinVar note: "not provided" was previously submitted as the classification for the variant. However, the classification appeared to be based only on an observation of functional data so it was converted to no classification on 2025-07-30.

NM_000219.6(KCNE1):c.266A>G (p.Glu89Gly)

Gene: KCNE1 (potassium voltage-gated channel subfamily E regulatory subunit 1; minus strand). Cytogenetic location: 21q22.12.
Variant type: single nucleotide variant.
Coding change: c.266A>G on transcript NM_000219.6 (MANE Select); coding-DNA position 266, A replaced by G.
Protein change: p.Glu89Gly; replaces glutamic acid 89 with glycine.
Molecular consequence: missense variant.
Genome position (GRCh38, 1-based): chr21:34,449,369, T>C on the plus strand (A>G on the coding strand, the complement: KCNE1 is on the minus strand). VCF-style: chr21-34449369-T-C. GRCh37 (hg19) VCF-style: chr21-35821667-T-C.
Other names: c.266A>G, p.Glu89Gly (NM_001127668.4, NM_001127669.4, NM_001127670.4 and 4 more transcripts); short protein forms E89G.
Identifiers: ClinVar variation 3374481 (VCV003374481.2).